The following is an entry in ClinVar:

ClinVar aggregate classification (germline): Uncertain significance. Review status: criteria provided, multiple submitters, no conflicts (2 of 4 stars). 2 submissions from 2 submitters: Uncertain significance (2). Last evaluated 2025-06-13.

Conditions:
Hereditary cancer-predisposing syndrome. Also called: Hereditary Cancer Syndrome; Neoplastic Syndromes, Hereditary; Tumor predisposition; Hereditary neoplastic syndrome. Identifiers: Orphanet 140162, MedGen C0027672, MeSH D009386, MONDO:0015356.

Allele frequency attached by ClinVar (database versions not stated): gnomAD exomes below 0.00001; ExAC 0.00001; ESP Exome Variant Server 0.00008.

Submissions (2):

Ambry Genetics
Classification: Uncertain significance for Hereditary cancer-predisposing syndrome. Last evaluated: 2025-06-13. Review status: criteria provided, single submitter. Criteria: Ambry Variant Classification Scheme 2023. Collection method: clinical testing. Allele origin: germline.
Comment: The p.G61S variant (also known as c.181G>A), located in coding exon 1 of the STK11 gene, results from a G to A substitution at nucleotide position 181. The glycine at codon 61 is replaced by serine, an amino acid with similar properties. This amino acid position is highly conserved in available vertebrate species. In addition, this alteration is predicted to be deleterious by in silico analysis. Based on the available evidence, the clinical significance of this variant remains unclear.

Color Diagnostics, LLC DBA Color Health
Classification: Uncertain significance for Hereditary cancer-predisposing syndrome. Last evaluated: 2019-05-21. Review status: criteria provided, single submitter. Criteria: ACMG Guidelines, 2015. Collection method: clinical testing. Allele origin: germline.

NM_000455.5(STK11):c.181G>A (p.Gly61Ser)

Gene: STK11 (serine/threonine kinase 11; plus strand). Cytogenetic location: 19p13.3.
Variant type: single nucleotide variant.
Coding change: c.181G>A on transcript NM_000455.5 (MANE Select); coding-DNA position 181, G replaced by A.
Protein change: p.Gly61Ser; replaces glycine 61 with serine.
Molecular consequence: missense variant.
Genome position (GRCh38, 1-based): chr19:1,207,094, G>A. VCF-style: chr19-1207094-G-A. GRCh37 (hg19) VCF-style: chr19-1207093-G-A.
Other names: short protein forms G61S.
Identifiers: ClinVar variation 490162 (VCV000490162.4), dbSNP rs368993118, ClinGen allele CA046491.
Genomic context (GRCh38, chr19:1,207,094, plus strand): 5'-AAGCGGGCCAAGCTCATCGGCAAGTACCTGATGGGGGACCTGCTGGGGGAAGGCTCTTAC[G>A]GCAAGGTGAAGGAGGTGCTGGACTCGGAGACGCTGTGCAGGAGGGCCGTCAAGATCCTCA-3'
Protein context (NP_000446.1, residues 51-71): MGDLLGEGSY[Gly61Ser]KVKEVLDSET